The following is an entry in ClinVar:

NM_001267550.2(TTN):c.94415G>C (p.Gly31472Ala)

Genes: TTN (titin; minus strand), TTN-AS1 (TTN antisense RNA 1; plus strand). Cytogenetic location: 2q31.2.
Variant type: single nucleotide variant.
Coding change: c.94415G>C on transcript NM_001267550.2 (MANE Select); coding-DNA position 94415, G replaced by C.
Protein change: p.Gly31472Ala; replaces glycine 31472 with alanine.
Molecular consequence: missense variant.
Genome position (GRCh38, 1-based): chr2:178,547,110, C>G on the plus strand (G>C on the coding strand, the complement: TTN is on the minus strand). VCF-style: chr2-178547110-C-G. GRCh37 (hg19) VCF-style: chr2-179411837-C-G.
Other names: c.89492G>C, p.Gly29831Ala (NM_001256850.1); c.67220G>C, p.Gly22407Ala (NM_003319.4); c.86711G>C, p.Gly28904Ala (NM_133378.4); c.67595G>C, p.Gly22532Ala (NM_133432.3); c.67796G>C, p.Gly22599Ala (NM_133437.4); short protein forms G22407A, G22532A, G22599A, G28904A, G29831A, G31472A.
Identifiers: ClinVar variation 2442488 (VCV002442488.1), dbSNP rs2469080739, ClinGen allele CA349474200.

ClinVar aggregate classification (germline): Uncertain significance (1 of 4 stars; one submission).

Submission:

GeneDx
Classification: Uncertain significance. Last evaluated: 2022-08-31. Review status: criteria provided, single submitter. Criteria: GeneDx Variant Classification Process June 2021. Collection method: clinical testing. Allele origin: germline. Affected: yes.
Comment: Not observed at significant frequency in large population cohorts (gnomAD); Missense variant in a gene in which most reported pathogenic variants are truncating/loss of function; Has not been previously published as pathogenic or benign to our knowledge